The following is an entry in ClinVar:

NM_199334.5(THRA):c.1207G>T (p.Glu403Ter)

Gene: THRA (thyroid hormone receptor alpha; plus strand). Cytogenetic location: 17q21.1.
Variant type: single nucleotide variant.
Coding change: c.1207G>T on transcript NM_199334.5 (MANE Select); coding-DNA position 1207, G replaced by T.
Protein change: p.Glu403Ter; replaces glutamic acid 403 with a stop codon.
Molecular consequence: nonsense. On other transcripts: intron variant (3).
Genome position (GRCh38, 1-based): chr17:40,089,430, G>T. VCF-style: chr17-40089430-G-T. GRCh37 (hg19) VCF-style: chr17-38245683-G-T.
Other names: c.1110+97G>T (NM_001190919.2, NM_003250.6, NM_001190918.2); short protein forms E403*.
Identifiers: ClinVar variation 4887839 (VCV004887839.1).

ClinVar aggregate classification (germline): Pathogenic (1 of 4 stars; one submission).

Submission:

GeneDx
Classification: Pathogenic. Last evaluated: 2026-02-10. Review status: criteria provided, single submitter. Criteria: GeneDx Variant Classification Process June 2021. Collection method: clinical testing. Allele origin: germline.
Comment: Nonsense variant predicted to result in protein truncation, as the last 8 amino acid(s) are lost, and other loss-of-function variants have been reported downstream in HGMD; Not observed at significant frequency in large population cohorts (gnomAD); This variant is associated with the following publications: (PMID: 33509032, 32924834, 22168587, 25670821)